The following is an entry in ClinVar:

ClinVar aggregate classification (germline): Uncertain significance (1 of 4 stars; one submission).

Conditions:
Gastrointestinal stromal tumor. Also called: Gastrointestinal stroma tumor; Gastrointestinal stromal tumor, somatic. Identifiers: Orphanet 44890, MedGen C0238198, MeSH D046152, MONDO:0011719, OMIM 606764, HP:0100723.

Submission:

Labcorp Genetics (formerly Invitae), Labcorp
Classification: Uncertain significance for Gastrointestinal stromal tumor. Last evaluated: 2021-04-06. Review status: criteria provided, single submitter. Criteria: Invitae Variant Classification Sherloc (09022015). Collection method: clinical testing. Allele origin: germline.
Comment: In summary, the available evidence is currently insufficient to determine the role of this variant in disease. Therefore, it has been classified as a Variant of Uncertain Significance. Algorithms developed to predict the effect of missense changes on protein structure and function are either unavailable or do not agree on the potential impact of this missense change (SIFT: "Tolerated"; PolyPhen-2: "Probably Damaging"; Align-GVGD: "Class C0"). This variant has not been reported in the literature in individuals with PDGFRA-related conditions. This variant is not present in population databases (ExAC no frequency). This sequence change replaces glutamic acid with lysine at codon 609 of the PDGFRA protein (p.Glu609Lys). The glutamic acid residue is highly conserved and there is a small physicochemical difference between glutamic acid and lysine.

NM_006206.6(PDGFRA):c.1825G>A (p.Glu609Lys)

Gene: PDGFRA (platelet derived growth factor receptor alpha; plus strand). Cytogenetic location: 4q12.
Variant type: single nucleotide variant.
Coding change: c.1825G>A on transcript NM_006206.6 (MANE Select); coding-DNA position 1825, G replaced by A.
Protein change: p.Glu609Lys; replaces glutamic acid 609 with lysine.
Molecular consequence: missense variant.
Genome position (GRCh38, 1-based): chr4:54,277,426, G>A. VCF-style: chr4-54277426-G-A. GRCh37 (hg19) VCF-style: chr4-55143593-G-A.
Other names: c.1825G>A, p.Glu609Lys (NM_001347827.2, NM_001347829.2); c.1900G>A, p.Glu634Lys (NM_001347828.2); c.1864G>A, p.Glu622Lys (NM_001347830.2); short protein forms E622K, E634K, E609K.
Identifiers: ClinVar variation 1419618 (VCV001419618.8), dbSNP rs2110308706, ClinGen allele CA356893405.